The following is an entry in ClinVar:

NM_001298.3(CNGA3):c.215+3A>G

Gene: CNGA3 (cyclic nucleotide gated channel subunit alpha 3; plus strand). Cytogenetic location: 2q11.2.
Variant type: single nucleotide variant.
Coding change: c.215+3A>G on transcript NM_001298.3 (MANE Select); 3 bases into the intron after coding-DNA position 215, A replaced by G.
Molecular consequence: intron variant.
Genome position (GRCh38, 1-based): chr2:98,377,803, A>G. VCF-style: chr2-98377803-A-G. GRCh37 (hg19) VCF-style: chr2-98994266-A-G.
Other names: c.215+3A>G (NM_001079878.2).
Identifiers: ClinVar variation 1053668 (VCV001053668.6), dbSNP rs775771846, ClinGen allele CA1793615.

ClinVar aggregate classification (germline): Uncertain significance (1 of 4 stars; one submission).

Allele frequency attached by ClinVar (database versions not stated): gnomAD exomes below 0.00001 and 0.00001; gnomAD 0.00001; ExAC 0.00002; TOPMed 0.00003.
gnomAD v4.1: 3 of 1,608,732 alleles (0.00019%); highest among the groups gnomAD compares: African/African-American, 0.0027%; no homozygotes.

Submission:

Labcorp Genetics (formerly Invitae), Labcorp
Classification: Uncertain significance. Last evaluated: 2022-07-19. Review status: criteria provided, single submitter. Criteria: Invitae Variant Classification Sherloc (09022015). Collection method: clinical testing. Allele origin: germline.
Comment: This sequence change falls in intron 3 of the CNGA3 gene. It does not directly change the encoded amino acid sequence of the CNGA3 protein. It affects a nucleotide within the consensus splice site. This variant is present in population databases (rs775771846, gnomAD 0.02%). This variant has been observed in individual(s) with cone-rod dystrophy (Invitae). ClinVar contains an entry for this variant (Variation ID: 1053668). Variants that disrupt the consensus splice site are a relatively common cause of aberrant splicing (PMID: 17576681, 9536098). Algorithms developed to predict the effect of sequence changes on RNA splicing suggest that this variant may create or strengthen a splice site. In summary, the available evidence is currently insufficient to determine the role of this variant in disease. Therefore, it has been classified as a Variant of Uncertain Significance.

Literature cited by the submitters: PubMed 17576681; PubMed 9536098.